The following is an entry in ClinVar:

ClinVar aggregate classification (germline): Likely pathogenic (1 of 4 stars; one submission).

Conditions:
Encephalopathy, lethal, due to defective mitochondrial peroxisomal fission 1. Identifiers: Orphanet 330050, MedGen C3280660, MONDO:0013726, OMIM 614388.

Submission:

Victorian Clinical Genetics Services, Murdoch Childrens Research Institute
Classification: Likely pathogenic for Encephalopathy, lethal, due to defective mitochondrial peroxisomal fission 1. Last evaluated: 2023-07-17. Review status: criteria provided, single submitter. Criteria: ACMG Guidelines, 2015. Collection method: clinical testing. Allele origin: germline. Affected: yes.
Comment: Based on the classification scheme VCGS_Germline_v1.3.4, this variant is classified as Likely Pathogenic. Following criteria are met: 0103 - Dominant negative and loss of function are known mechanisms of disease in this gene and are associated with lethal encephalopathy due to defective mitochondrial peroxisomal fission 1 (MIM#614388) and optic atrophy 5 (MIM#610708). Loss-of-function is a described mechanism of disease for variants within the GTPase domain while dominant negative is a described mechanism of disease for variants located within the middle domain (PMIDs: 23977156, 29529134). It should be noted that no dominant negative variants in the GTPase domain have been described to date in DNM1L; however the homologue DNM1 gene has multiple putative dominant-negative variants in the GTPase domain (PMID: 28667181). (I) 0108 - This gene is associated with both recessive and dominant disease. While this gene is predominantly associated with dominant disease, rare instances of recessive inheritance have been described in the literature and associated with the GTPase domain (PMID: 29529134). (I) 0200 - Variant is predicted to result in a missense amino acid change from serine to arginine. (I) 0251 - This variant is heterozygous. (I) 0301 - Variant is absent from gnomAD (both v2 and v3). (SP) 0501 - Missense variant consistently predicted to be damaging by multiple in-silico tools and highly conserved with a major amino acid change. (SP) 0601 - Variant is located in the well-established functional phosphate binding loop G1 of the GTPase domain (PMIDs: 23977156, 29529134). (SP) 0704 - Other missense variants comparable to the one identified in this case have limited previous evidence for pathogenicity. Mutagenesis studies showed significant loss of GTPase activity for an alternate change p.(Ser39Ala) (PMID: 23977156). In addition, a putative dominant-negative effect on peroxisome morphology caused by overexpression of the p.(Ser39Asn) variant has been observed in human fibroblast cells (PMID: 12618434). (SP) 0807 - This variant has no previous evidence of pathogenicity. (I) 0905 - No published segregation evidence has been identified for this variant. (I) 1007 - No published functional evidence has been identified for this variant. (SP) Legend: (SP) - Supporting pathogenic, (I) - Information, (SB) - Supporting benign

Literature cited by the submitters: PubMed 12618434; PubMed 23977156; PubMed 28667181; PubMed 29529134.

NM_012062.5(DNM1L):c.115A>C (p.Ser39Arg)

Gene: DNM1L (dynamin 1 like; plus strand). Cytogenetic location: 12p11.21.
Variant type: single nucleotide variant.
Coding change: c.115A>C on transcript NM_012062.5 (MANE Select); coding-DNA position 115, A replaced by C.
Protein change: p.Ser39Arg; replaces serine 39 with arginine.
Molecular consequence: missense variant. On other transcripts: 5 prime UTR variant (1).
Genome position (GRCh38, 1-based): chr12:32,701,427, A>C. VCF-style: chr12-32701427-A-C. GRCh37 (hg19) VCF-style: chr12-32854361-A-C.
Other names: c.115A>C, p.Ser39Arg (NM_001278463.2, NM_001278464.2, NM_001278465.2 and 3 more transcripts); c.-91A>C (NM_001278466.2); short protein forms S39R.
Identifiers: ClinVar variation 2500693 (VCV002500693.2), dbSNP rs1952694899, ClinGen allele CA384362934.